The following is an entry in ClinVar:

NM_001098816.3(TENM4):c.7503C>T (p.Tyr2501=)

Gene: TENM4 (teneurin transmembrane protein 4; minus strand). Cytogenetic location: 11q14.1.
Variant type: single nucleotide variant.
Coding change: c.7503C>T on transcript NM_001098816.3 (MANE Select); coding-DNA position 7503, C replaced by T.
Protein change: p.Tyr2501=; no amino-acid change (tyrosine 2501 retained).
Molecular consequence: synonymous variant.
Genome position (GRCh38, 1-based): chr11:78,661,497, G>A on the plus strand (C>T on the coding strand, the complement: TENM4 is on the minus strand). VCF-style: chr11-78661497-G-A. GRCh37 (hg19) VCF-style: chr11-78372542-G-A.
Identifiers: ClinVar variation 3257174 (VCV003257174.17).

ClinVar aggregate classification (germline): Likely benign (1 of 4 stars; one submission).

gnomAD v4.1: 123 of 1,611,782 alleles (0.0076%); highest among the groups gnomAD compares: African/African-American, 0.02%; no homozygotes.

Submission:

CeGaT Center for Human Genetics Tuebingen
Classification: Likely benign. Last evaluated: 2024-07-01. Review status: criteria provided, single submitter. Criteria: CeGaT Center For Human Genetics Tuebingen Variant Classification Criteria Version 2. Collection method: clinical testing. Allele origin: germline. Affected: yes. Observed: 1 variant allele.
Comment: TENM4: BP4, BP7